The following is an entry in ClinVar:

NM_181486.4(TBX5):c.*739T>C

Gene: TBX5 (T-box transcription factor 5; minus strand). Cytogenetic location: 12q24.21.
Variant type: single nucleotide variant.
Coding change: c.*739T>C on transcript NM_181486.4 (MANE Select); 739 bases downstream of the stop codon, T replaced by C.
Molecular consequence: 3 prime UTR variant.
Genome position (GRCh38, 1-based): chr12:114,354,793, A>G on the plus strand (T>C on the coding strand, the complement: TBX5 is on the minus strand). VCF-style: chr12-114354793-A-G. GRCh37 (hg19) VCF-style: chr12-114792598-A-G.
Other names: c.*739T>C (NM_000192.3, NM_080717.4).
Identifiers: ClinVar variation 307286 (VCV000307286.6), dbSNP rs117414057, ClinGen allele CA10641008.

ClinVar aggregate classification (germline): Benign. Review status: criteria provided, multiple submitters, no conflicts (2 of 4 stars). 2 submissions from 2 submitters: Benign (2). Last evaluated 2018-01-13.

Conditions:
Holt-Oram syndrome (HOS). Also called: Ventriculo-radial syndrome; Cardiac-limb syndrome; Heart-hand syndrome, type 1; TBX5-Related Holt-Oram Syndrome. Identifiers: Orphanet 392, MedGen C0265264, MONDO:0007732, OMIM 142900.

Allele frequency attached by ClinVar (database versions not stated): TOPMed 0.00060; 1000 Genomes Project 30x 0.00187; gnomAD 0.00056 and 0.00037; 1000 Genomes Project 0.00200.

Submissions (2):

Illumina Laboratory Services, Illumina
Classification: Benign for Holt-Oram syndrome. Last evaluated: 2018-01-13. Review status: criteria provided, single submitter. Criteria: ICSL Variant Classification Criteria 13 December 2019. Collection method: clinical testing. Allele origin: germline.
Comment: This variant was observed in the ICSL laboratory as part of a predisposition screen in an ostensibly healthy population. It had not been previously curated by ICSL or reported in the Human Gene Mutation Database (HGMD: prior to June 1st, 2018), and was therefore a candidate for classification through an automated scoring system. Utilizing variant allele frequency, disease prevalence and penetrance estimates, and inheritance mode, an automated score was calculated to assess if this variant is too frequent to cause the disease. Based on the score and internal cut-off values, a variant classified as benign is not then subjected to further curation. The score for this variant resulted in a classification of benign for this disease.

Breakthrough Genomics
Classification: Benign. Review status: criteria provided, single submitter. Criteria: ACMG Guidelines, 2015. Collection method: not provided. Allele origin: germline. Inheritance: Autosomal dominant inheritance. Affected: yes.